The following is an entry in ClinVar:

NM_170606.3(KMT2C):c.1703G>T (p.Gly568Val)

Gene: KMT2C (lysine methyltransferase 2C; minus strand). Cytogenetic location: 7q36.1.
Variant type: single nucleotide variant.
Coding change: c.1703G>T on transcript NM_170606.3 (MANE Select); coding-DNA position 1703, G replaced by T.
Protein change: p.Gly568Val; replaces glycine 568 with valine.
Molecular consequence: missense variant.
Genome position (GRCh38, 1-based): chr7:152,250,885, C>A on the plus strand (G>T on the coding strand, the complement: KMT2C is on the minus strand). VCF-style: chr7-152250885-C-A. GRCh37 (hg19) VCF-style: chr7-151947970-C-A.
Other names: short protein forms G568V.
Identifiers: ClinVar variation 4534913 (VCV004534913.6).

ClinVar aggregate classification (germline): Uncertain significance (1 of 4 stars; one submission).

Submission:

CeGaT Center for Human Genetics Tuebingen
Classification: Uncertain significance. Last evaluated: 2025-10-01. Review status: criteria provided, single submitter. Criteria: CeGaT Center For Human Genetics Tuebingen Variant Classification Criteria Version 2. Collection method: clinical testing. Allele origin: germline. Affected: yes. Observed: 1 variant allele.
Comment: KMT2C: PM2, BP4